The following is an entry in ClinVar:

NM_020708.5(SLC12A5):c.2787+3G>A

Gene: SLC12A5 (solute carrier family 12 member 5; plus strand). Cytogenetic location: 20q13.12.
Variant type: single nucleotide variant.
Coding change: c.2787+3G>A on transcript NM_020708.5 (MANE Select); 3 bases into the intron after coding-DNA position 2787, G replaced by A.
Molecular consequence: intron variant.
Genome position (GRCh38, 1-based): chr20:46,055,026, G>A. VCF-style: chr20-46055026-G-A. GRCh37 (hg19) VCF-style: chr20-44683665-G-A.
Other names: c.2856+3G>A (NM_001134771.2).
Identifiers: ClinVar variation 648025 (VCV000648025.10), dbSNP rs372923917, ClinGen allele CA9887695.

ClinVar aggregate classification (germline): Conflicting classifications of pathogenicity. Review status: criteria provided, conflicting classifications (1 of 4 stars). 4 submissions from 4 submitters: Uncertain significance (2); Likely benign (1). 1 of the submissions does not count toward it. Last evaluated 2025-10-13.

Conditions:
SLC12A5-related disorder. Also called: SLC12A5-related condition.
Developmental and epileptic encephalopathy, 34 (DEE34). Also called: Early infantile epileptic encephalopathy 34; SLC12A5-Related Epilepsy of Infancy with Migrating Focal Seizures. Identifiers: Orphanet 293181, MedGen C4225257, MONDO:0014718, OMIM 616645.

Allele frequency attached by ClinVar (database versions not stated): ExAC 0.00008; gnomAD 0.00008 and 0.00009; gnomAD exomes 0.00009 and 0.00007; TOPMed 0.00009; ESP Exome Variant Server 0.00015.
gnomAD v4.1: 139 of 1,613,264 alleles (0.0086%); highest among the groups gnomAD compares: Non-Finnish European, 0.011%; no homozygotes.

Submissions (4):

Women's Health and Genetics/Laboratory Corporation of America, LabCorp
Classification: Uncertain significance. Last evaluated: 2025-10-13. Review status: criteria provided, single submitter. Criteria: LabCorp Variant Classification Summary - May 2015. Collection method: clinical testing. Allele origin: germline.
Comment: Variant summary: SLC12A5 c.2856+3G>A alters a non-conserved nucleotide located close to a canonical splice site and therefore could affect mRNA splicing, leading to a significantly altered protein sequence. Consensus agreement among computation tools predict no significant impact on normal splicing. However, these predictions have yet to be confirmed by functional studies. The variant allele was found at a frequency of 7.2e-05 in 251048 control chromosomes. This frequency is not significantly higher than estimated for disease-causing variants in SLC12A5, allowing no conclusion about variant significance. To our knowledge, no occurrence of c.2856+3G>A in individuals affected with SLC12A5-related conditions and no experimental evidence demonstrating its impact on protein function have been reported. ClinVar contains an entry for this variant (Variation ID: 648025). Based on the evidence outlined above, the variant was classified as uncertain significance.

Blueprint Genetics
Classification: Likely benign. Last evaluated: 2024-05-10. Review status: criteria provided, single submitter. Criteria: ACMG Guidelines, 2015. Collection method: clinical testing. Allele origin: germline.

Labcorp Genetics (formerly Invitae), Labcorp
Classification: Uncertain significance for Developmental and epileptic encephalopathy, 34. Last evaluated: 2022-08-23. Review status: criteria provided, single submitter. Criteria: Invitae Variant Classification Sherloc (09022015). Collection method: clinical testing. Allele origin: germline.
Comment: This sequence change falls in intron 21 of the SLC12A5 gene. It does not directly change the encoded amino acid sequence of the SLC12A5 protein. It affects a nucleotide within the consensus splice site. This variant is present in population databases (rs372923917, gnomAD 0.01%). This variant has not been reported in the literature in individuals affected with SLC12A5-related conditions. ClinVar contains an entry for this variant (Variation ID: 648025). Variants that disrupt the consensus splice site are a relatively common cause of aberrant splicing (PMID: 17576681, 9536098). Algorithms developed to predict the effect of sequence changes on RNA splicing suggest that this variant is not likely to affect RNA splicing. In summary, the available evidence is currently insufficient to determine the role of this variant in disease. Therefore, it has been classified as a Variant of Uncertain Significance.

PreventionGenetics, part of Exact Sciences
Classification: Likely benign for SLC12A5-related condition. Last evaluated: 2021-06-09. Review status: no assertion criteria provided. Collection method: clinical testing. Allele origin: germline. Not counted in ClinVar's aggregate classification.
Comment: This variant is classified as likely benign based on ACMG/AMP sequence variant interpretation guidelines (Richards et al. 2015 PMID: 25741868, with internal and published modifications).

Literature cited by the submitters: PubMed 17576681 (cited by Labcorp Genetics (formerly Invitae), Labcorp); PubMed 9536098 (cited by Labcorp Genetics (formerly Invitae), Labcorp).